The following is an entry in ClinVar:

ClinVar aggregate classification (germline): Conflicting classifications of pathogenicity. Review status: criteria provided, conflicting classifications (1 of 4 stars). 4 submissions from 4 submitters: Uncertain significance (3); Likely benign (1). Last evaluated 2026-09-15.

Conditions:
TTLL5-related disorder. Also called: TTLL5-related condition.
Inborn genetic diseases. Identifiers: MedGen C0950123, MeSH D030342.

Allele frequency attached by ClinVar (database versions not stated): gnomAD exomes 0.00012 and 0.00016; ExAC 0.00014; 1000 Genomes Project 0.00020; ESP Exome Variant Server 0.00031; gnomAD 0.00041 and 0.00047; TOPMed 0.00043.
gnomAD v4.1: 236 of 1,614,140 alleles (0.015%); highest among the groups gnomAD compares: African/African-American, 0.091%; no homozygotes.

Submissions (4):

PreventionGenetics, part of Exact Sciences
Classification: Uncertain significance for TTLL5-related condition. Last evaluated: 2026-09-15. Review status: criteria provided, single submitter. Criteria: ACMG Guidelines, 2015. Collection method: clinical testing. Allele origin: germline.
Comment: The TTLL5 c.3752C>T variant is predicted to result in the amino acid substitution p.Ala1251Val. To our knowledge, this variant has not been reported in the literature. This variant is reported in 0.12% of alleles in individuals of African descent in gnomAD, which may be too frequent to be a primary cause of disease. Although we suspect that this variant may be benign, at this time, the clinical significance of this variant is uncertain due to the absence of conclusive functional and genetic evidence.

Ambry Genetics
Classification: Uncertain significance for Inborn genetic diseases. Last evaluated: 2024-10-29. Review status: criteria provided, single submitter. Criteria: Ambry Variant Classification Scheme 2023. Collection method: clinical testing. Allele origin: germline.

Labcorp Genetics (formerly Invitae), Labcorp
Classification: Uncertain significance. Last evaluated: 2024-10-26. Review status: criteria provided, single submitter. Criteria: Invitae Variant Classification Sherloc (09022015). Collection method: clinical testing. Allele origin: germline.
Comment: This sequence change replaces alanine, which is neutral and non-polar, with valine, which is neutral and non-polar, at codon 1251 of the TTLL5 protein (p.Ala1251Val). This variant is present in population databases (rs138045400, gnomAD 0.1%). This variant has not been reported in the literature in individuals affected with TTLL5-related conditions. ClinVar contains an entry for this variant (Variation ID: 850170). An algorithm developed to predict the effect of missense changes on protein structure and function outputs the following: PolyPhen-2: "Benign". The valine amino acid residue is found in multiple mammalian species, which suggests that this missense change does not adversely affect protein function. In summary, the available evidence is currently insufficient to determine the role of this variant in disease. Therefore, it has been classified as a Variant of Uncertain Significance.

Blueprint Genetics
Classification: Likely benign. Last evaluated: 2024-09-12. Review status: criteria provided, single submitter. Criteria: ACMG Guidelines, 2015. Collection method: clinical testing. Allele origin: germline.

NM_015072.5(TTLL5):c.3752C>T (p.Ala1251Val)

Gene: TTLL5 (tubulin tyrosine ligase like 5; plus strand). Cytogenetic location: 14q24.3.
Variant type: single nucleotide variant.
Coding change: c.3752C>T on transcript NM_015072.5 (MANE Select); coding-DNA position 3752, C replaced by T.
Protein change: p.Ala1251Val; replaces alanine 1251 with valine.
Molecular consequence: missense variant.
Genome position (GRCh38, 1-based): chr14:75,902,153, C>T. VCF-style: chr14-75902153-C-T. GRCh37 (hg19) VCF-style: chr14-76368496-C-T.
Other names: short protein forms A1251V.
Identifiers: ClinVar variation 850170 (VCV000850170.10), dbSNP rs138045400, ClinGen allele CA7280155.